The following is an entry in ClinVar:

NM_001101426.4(CRPPA):c.641C>T (p.Pro214Leu)

Gene: CRPPA (CDP-L-ribitol pyrophosphorylase A; minus strand). Cytogenetic location: 7p21.2.
Variant type: single nucleotide variant.
Coding change: c.641C>T on transcript NM_001101426.4 (MANE Select); coding-DNA position 641, C replaced by T.
Protein change: p.Pro214Leu; replaces proline 214 with leucine.
Molecular consequence: missense variant. On other transcripts: non-coding transcript variant (1), intron variant (1).
Genome position (GRCh38, 1-based): chr7:16,376,135, G>A on the plus strand (C>T on the coding strand, the complement: CRPPA is on the minus strand). VCF-style: chr7-16376135-G-A. GRCh37 (hg19) VCF-style: chr7-16415760-G-A.
Other names: c.641C>T, p.Pro214Leu (NM_001368197.1); c.534+29926C>T (NM_001101417.4); short protein forms P214L.
Identifiers: ClinVar variation 2039240 (VCV002039240.6), dbSNP rs760421827, ClinGen allele CA4169553.

ClinVar aggregate classification (germline): Uncertain significance. Review status: criteria provided, multiple submitters, no conflicts (2 of 4 stars). 2 submissions from 2 submitters: Uncertain significance (2). Last evaluated 2024-03-17.

Conditions:
Muscular dystrophy-dystroglycanopathy (congenital with brain and eye anomalies), type A, 7. Also called: WALKER-WARBURG SYNDROME OR MUSCLE-EYE-BRAIN DISEASE, ISPD-RELATED; Congenital muscular dystrophy-dystroglycanopathy with brain and eye anomalies, type A7. Identifiers: Orphanet 899, MedGen C3553330, MONDO:0013835, OMIM 614643.
Autosomal recessive limb-girdle muscular dystrophy type 2U. Also called: MUSCULAR DYSTROPHY, LIMB-GIRDLE, TYPE 2U; Muscular dystrophy-dystroglycanopathy (limb-girdle), type c, 7. Identifiers: Orphanet 352479, MedGen C5190987, MONDO:0014474, OMIM 616052.

Allele frequency attached by ClinVar (database versions not stated): gnomAD exomes below 0.00001; ExAC 0.00001; gnomAD 0.00002; TOPMed 0.00002.
gnomAD v4.1: 8 of 1,611,404 alleles (0.0005%); highest among the groups gnomAD compares: African/African-American, 0.0067%; no homozygotes.

Submissions (2):

Genomic Medicine Center of Excellence, King Faisal Specialist Hospital and Research Centre
Classification: Uncertain significance for Muscular dystrophy-dystroglycanopathy (congenital with brain and eye anomalies), type A, 7. Last evaluated: 2024-03-17. Review status: criteria provided, single submitter. Criteria: ACMG Guidelines, 2015. Collection method: research. Allele origin: germline.

Labcorp Genetics (formerly Invitae), Labcorp
Classification: Uncertain significance for Muscular dystrophy-dystroglycanopathy (congenital with brain and eye anomalies), type A, 7; Autosomal recessive limb-girdle muscular dystrophy type 2U. Last evaluated: 2022-02-22. Review status: criteria provided, single submitter. Criteria: Invitae Variant Classification Sherloc (09022015). Collection method: clinical testing. Allele origin: germline.
Comment: This sequence change replaces proline, which is neutral and non-polar, with leucine, which is neutral and non-polar, at codon 214 of the ISPD protein (p.Pro214Leu). This variant is present in population databases (rs760421827, gnomAD 0.01%). This missense change has been observed in individual(s) with ISPD-related conditions (PMID: 33199158). Algorithms developed to predict the effect of missense changes on protein structure and function (SIFT, PolyPhen-2, Align-GVGD) all suggest that this variant is likely to be disruptive. In summary, the available evidence is currently insufficient to determine the role of this variant in disease. Therefore, it has been classified as a Variant of Uncertain Significance.

Literature cited by the submitters: PubMed 33199158 (cited by Labcorp Genetics (formerly Invitae), Labcorp).